The following is an entry in ClinVar:

NM_002485.5(NBN):c.1912T>A (p.Ser638Thr)

Genes: NBN (nibrin; minus strand), LOC126860438 (MED14-independent group 3 enhancer GRCh37_chr8:90959982-90961181; plus strand). Cytogenetic location: 8q21.3.
Variant type: single nucleotide variant.
Coding change: c.1912T>A on transcript NM_002485.5 (MANE Select); coding-DNA position 1912, T replaced by A.
Protein change: p.Ser638Thr; replaces serine 638 with threonine.
Molecular consequence: missense variant.
Genome position (GRCh38, 1-based): chr8:89,947,826, A>T on the plus strand (T>A on the coding strand, the complement: NBN is on the minus strand). VCF-style: chr8-89947826-A-T. GRCh37 (hg19) VCF-style: chr8-90960054-A-T.
Other names: c.1666T>A, p.Ser556Thr (NM_001024688.3, NM_001440379.1, NM_001440380.1); short protein forms S556T, S638T.
Identifiers: ClinVar variation 4860751 (VCV004860751.1).

ClinVar aggregate classification (germline): Uncertain significance (1 of 4 stars; one submission).

Conditions:
Hereditary cancer-predisposing syndrome. Also called: Neoplastic Syndromes, Hereditary; Tumor predisposition; Hereditary Cancer Syndrome; Hereditary neoplastic syndrome. Identifiers: Orphanet 140162, MedGen C0027672, MeSH D009386, MONDO:0015356.

Submission:

Ambry Genetics
Classification: Uncertain significance for Hereditary cancer-predisposing syndrome. Last evaluated: 2026-03-29. Review status: criteria provided, single submitter. Criteria: Ambry Variant Classification Scheme 2023. Collection method: clinical testing. Allele origin: germline.
Comment: The p.S638T variant (also known as c.1912T>A), located in coding exon 12 of the NBN gene, results from a T to A substitution at nucleotide position 1912. The serine at codon 638 is replaced by threonine, an amino acid with similar properties. This amino acid position is conserved. In addition, this alteration is predicted to be tolerated by in silico analysis. Based on the available evidence, the clinical significance of this variant remains unclear.